The following is an entry in ClinVar:

NM_006922.4(SCN3A):c.3382G>A (p.Glu1128Lys)

Gene: SCN3A (sodium voltage-gated channel alpha subunit 3; minus strand). Cytogenetic location: 2q24.3.
Variant type: single nucleotide variant.
Coding change: c.3382G>A on transcript NM_006922.4 (MANE Select); coding-DNA position 3382, G replaced by A.
Protein change: p.Glu1128Lys; replaces glutamic acid 1128 with lysine.
Molecular consequence: missense variant.
Genome position (GRCh38, 1-based): chr2:165,127,642, C>T on the plus strand (G>A on the coding strand, the complement: SCN3A is on the minus strand). VCF-style: chr2-165127642-C-T. GRCh37 (hg19) VCF-style: chr2-165984152-C-T.
Other names: c.3235G>A, p.Glu1079Lys (NM_001081676.2, NM_001081677.2); short protein forms E1079K, E1128K.
Identifiers: ClinVar variation 4975263 (VCV004975263.1).
Genomic context (GRCh38, chr2:165,127,642, plus strand): 5'-TACATGGTTATCATAGGAAATGGAACAAAAAATTTAAAAGCATTCTTACCTCTTTGCTTT[C>T]TTCTAGTTCTGACTCACTGCTGAACTCTTCAGTATTTAAGTTTTCAAAGTCAGACTCTCC-3'
Protein context (NP_008853.3, residues 1118-1138): EEFSSESELE[Glu1128Lys]SKEKLNATSS

ClinVar aggregate classification (germline): Uncertain significance (1 of 4 stars; one submission).

Submission:

GeneDx
Classification: Uncertain significance. Last evaluated: 2026-01-25. Review status: criteria provided, single submitter. Criteria: GeneDx Variant Classification Process June 2021. Collection method: clinical testing. Allele origin: germline.
Comment: Not observed at significant frequency in large population cohorts (gnomAD); In silico analysis suggests that this missense variant does not alter protein structure/function; Has not been previously published as pathogenic or benign to our knowledge